The following is an entry in ClinVar:

NM_006892.4(DNMT3B):c.1753G>A (p.Ala585Thr)

Genes: DNMT3B (DNA methyltransferase 3 beta; plus strand), LOC126863014 (CDK7 strongly-dependent group 2 enhancer GRCh37_chr20:31385992-31387191; plus strand). Cytogenetic location: 20q11.21.
Variant type: single nucleotide variant.
Coding change: c.1753G>A on transcript NM_006892.4 (MANE Select); coding-DNA position 1753, G replaced by A.
Protein change: p.Ala585Thr; replaces alanine 585 with threonine.
Molecular consequence: missense variant.
Genome position (GRCh38, 1-based): chr20:32,799,322, G>A. VCF-style: chr20-32799322-G-A. GRCh37 (hg19) VCF-style: chr20-31387128-G-A.
Other names: c.1567G>A, p.Ala523Thr (NM_001207055.2); c.1465G>A, p.Ala489Thr (NM_001207056.2); c.1693G>A, p.Ala565Thr (NM_175848.2, NM_175849.2); c.1729G>A, p.Ala577Thr (NM_175850.3); short protein forms A585T, A489T, A523T, A565T, A577T.
Identifiers: ClinVar variation 1461133 (VCV001461133.9), dbSNP rs750849178, ClinGen allele CA9810685.
Genomic context (GRCh38, chr20:32,799,322, plus strand): 5'-CCTGCCATTCCCGCAGCCCGAAGGCGGCCCATTCGAGTCCTGTCATTGTTTGATGGCATC[G>A]CGACAGGTGAGTTCGGGGAACACCTGGAGACACTGCTATCGTGTCACAACAGGGTAGCCA-3'
Protein context (NP_008823.1, residues 575-595): IRVLSLFDGI[Ala585Thr]TGYLVLKELG

ClinVar aggregate classification (germline): Uncertain significance. Review status: criteria provided, multiple submitters, no conflicts (2 of 4 stars). 3 submissions from 3 submitters: Uncertain significance (3). Last evaluated 2024-10-28.

Conditions:
Immunodeficiency-centromeric instability-facial anomalies syndrome 1 (ICF1). Identifiers: Orphanet 2268, MedGen C4551557, MONDO:0009454, OMIM 242860.
Centromeric instability of chromosomes 1,9 and 16 and immunodeficiency (ICF1). Also called: Immunodeficiency-centromeric instability-facial anomalies; CENTROMERIC INSTABILITY, IMMUNODEFICIENCY SYNDROME; IMMUNE DEFICIENCY, VARIABLE, WITH CENTROMERIC INSTABILITY OF CHROMOSOMES 1, 9, AND 16; IMMUNODEFICIENCY SYNDROME, VARIABLE. Identifiers: Orphanet 2268, MedGen C0398788, MONDO:0000133.

Allele frequency attached by ClinVar (database versions not stated): gnomAD exomes below 0.00001 and 0.00001; ExAC 0.00001; TOPMed 0.00001.
gnomAD v4.1: 5 of 1,612,560 alleles (0.00031%); highest among the groups gnomAD compares: South Asian, 0.0011%; no homozygotes.

Submissions (3):

Labcorp Genetics (formerly Invitae), Labcorp
Classification: Uncertain significance for Centromeric instability of chromosomes 1,9 and 16 and immunodeficiency. Last evaluated: 2024-10-28. Review status: criteria provided, single submitter. Criteria: Invitae Variant Classification Sherloc (09022015). Collection method: clinical testing. Allele origin: germline.
Comment: This sequence change replaces alanine, which is neutral and non-polar, with threonine, which is neutral and polar, at codon 585 of the DNMT3B protein (p.Ala585Thr). The frequency data for this variant in the population databases is considered unreliable, as metrics indicate poor data quality at this position in the gnomAD database. This missense change has been observed in individual(s) with immunodeficiency-centromeric instability-facial anomalies syndrome and/or primary immunodeficiency (PMID: 27734333, 32135276). This variant is also known as p.A577T. ClinVar contains an entry for this variant (Variation ID: 1461133). Invitae Evidence Modeling of protein sequence and biophysical properties (such as structural, functional, and spatial information, amino acid conservation, physicochemical variation, residue mobility, and thermodynamic stability) indicates that this missense variant is expected to disrupt DNMT3B protein function with a positive predictive value of 95%. This variant disrupts the p.Ala585 amino acid residue in DNMT3B. Other variant(s) that disrupt this residue have been observed in individuals with DNMT3B-related conditions (PMID: 11102980), which suggests that this may be a clinically significant amino acid residue. In summary, the available evidence is currently insufficient to determine the role of this variant in disease. Therefore, it has been classified as a Variant of Uncertain Significance.

3billion
Classification: Uncertain significance for Immunodeficiency-centromeric instability-facial anomalies syndrome 1. Last evaluated: 2024-06-06. Review status: criteria provided, single submitter. Criteria: ACMG Guidelines, 2015. Collection method: clinical testing. Allele origin: germline. Affected: yes.
Comment: The variant is observed at an extremely low frequency in the gnomAD v4.0.0 dataset (total allele frequency: <0.001%). Predicted Consequence/Location: Missense variant In silico tool predictions suggest damaging effect of the variant on gene or gene product [REVEL: 0.82 (>=0.6, sensitivity 0.68 and specificity 0.92); 3Cnet: 0.56 (>=0.6, sensitivity 0.72 and precision 0.9)]. The same nucleotide change resulting in the same amino acid change has been previously reported to be associated with DNMT3B related disorder (PMID: 27734333).A different missense change at the same codon (p.Ala585Val) has been reported to be associated with DNMT3B related disorder (PMID: 11102980). However the evidence of pathogenicity is insufficient at this time. Therefore, this variant is classified as VUS according to the recommendation of ACMG/AMP guideline.

Women's Health and Genetics/Laboratory Corporation of America, LabCorp
Classification: Uncertain significance. Last evaluated: 2024-05-04. Review status: criteria provided, single submitter. Criteria: LabCorp Variant Classification Summary - May 2015. Collection method: clinical testing. Allele origin: germline.
Comment: Variant summary: DNMT3B c.1753G>A (p.Ala585Thr) results in a non-conservative amino acid change in the encoded protein sequence. Five of five in-silico tools predict a damaging effect of the variant on protein function. The variant allele was found at a frequency of 4e-06 in 247888 control chromosomes. c.1753G>A has been reported in the literature in homozygous individuals affected with ICF Syndrome or a suspected primary immunodeficiency (e.g. Rechavi_2016, Simon_2020). These data indicate that the variant may be associated with disease. To our knowledge, no experimental evidence demonstrating an impact on protein function has been reported. The following publications have been ascertained in the context of this evaluation (PMID: 27734333, 32135276). ClinVar contains an entry for this variant (Variation ID: 1461133). Based on the evidence outlined above, the variant was classified as VUS-possibly pathogenic.

Literature cited by the submitters: PubMed 27734333 (cited by 3 submitters); PubMed 32135276 (cited by Labcorp Genetics (formerly Invitae), Labcorp and Women's Health and Genetics/Laboratory Corporation of America, LabCorp); PubMed 11102980 (cited by Labcorp Genetics (formerly Invitae), Labcorp and 3billion).